The following is an entry in ClinVar:

NM_001853.4(COL9A3):c.754C>T (p.Arg252Ter)

Gene: COL9A3 (collagen type IX alpha 3 chain; plus strand). Cytogenetic location: 20q13.33.
Variant type: single nucleotide variant.
Coding change: c.754C>T on transcript NM_001853.4 (MANE Select); coding-DNA position 754, C replaced by T.
Protein change: p.Arg252Ter; replaces arginine 252 with a stop codon.
Molecular consequence: nonsense.
Genome position (GRCh38, 1-based): chr20:62,826,782, C>T. VCF-style: chr20-62826782-C-T. GRCh37 (hg19) VCF-style: chr20-61458134-C-T.
Other names: short protein forms R252*.
Identifiers: ClinVar variation 2974821 (VCV002974821.3), dbSNP rs1219321065, ClinGen allele CA409592231.

ClinVar aggregate classification (germline): Pathogenic (1 of 4 stars; one submission).

gnomAD v4.1: 4 of 1,612,794 alleles (0.00025%); highest among the groups gnomAD compares: African/African-American, 0.0013%; no homozygotes.

Submission:

Labcorp Genetics (formerly Invitae), Labcorp
Classification: Pathogenic. Last evaluated: 2024-04-29. Review status: criteria provided, single submitter. Criteria: Invitae Variant Classification Sherloc (09022015). Collection method: clinical testing. Allele origin: germline.
Comment: This sequence change creates a premature translational stop signal (p.Arg252*) in the COL9A3 gene. It is expected to result in an absent or disrupted protein product. Loss-of-function variants in COL9A3 are known to be pathogenic (PMID: 24273071, 31090205). This variant is not present in population databases (gnomAD no frequency). This variant has not been reported in the literature in individuals affected with COL9A3-related conditions. For these reasons, this variant has been classified as Pathogenic.

Literature cited by the submitters: PubMed 24273071; PubMed 31090205.